The following is an entry in ClinVar:

ClinVar aggregate classification (germline): Benign/Likely benign. Review status: criteria provided, multiple submitters, no conflicts (2 of 4 stars). 6 submissions from 6 submitters: Benign (1); Likely benign (1). 4 of the submissions do not count toward it. Last evaluated 2024-11-28.

Allele frequency attached by ClinVar (database versions not stated): gnomAD exomes 0.02236; gnomAD 0.02246 and 0.02257; ExAC 0.03055; ESP Exome Variant Server 0.02070; 1000 Genomes Project 0.01817; 1000 Genomes Project 30x 0.01827; TOPMed 0.02455.
gnomAD v4.1: 38,006 of 1,566,182 alleles (2.4%); highest among the groups gnomAD compares: Middle Eastern, 7.2%; 578 homozygotes.

Submissions (6):

Blueprint Genetics
Classification: Likely benign. Last evaluated: 2024-11-28. Review status: criteria provided, single submitter. Criteria: ACMG Guidelines, 2015. Collection method: clinical testing. Allele origin: germline.

Breakthrough Genomics
Classification: Benign. Review status: criteria provided, single submitter. Criteria: ACMG Guidelines, 2015. Collection method: not provided. Allele origin: germline. Inheritance: Autosomal dominant inheritance. Affected: yes.

ITMI
No classification provided. Condition: AllHighlyPenetrant. Last evaluated: 2013-09-19. Review status: no classification provided. Collection method: reference population. Allele origin: germline. Not counted in ClinVar's aggregate classification.
Comment: Please see associated publication for description of ethnicities

Clinical Genetics, Academic Medical Center
Classification: Benign. Review status: no assertion criteria provided. Collection method: clinical testing. Allele origin: germline. Affected: yes. Study: VKGL Data-share Consensus. Not counted in ClinVar's aggregate classification.

Genome Diagnostics Laboratory, University Medical Center Utrecht
Classification: Benign. Review status: no assertion criteria provided. Collection method: clinical testing. Allele origin: germline. Affected: yes. Study: VKGL Data-share Consensus. Not counted in ClinVar's aggregate classification.

Laboratory of Diagnostic Genome Analysis, Leiden University Medical Center (LUMC)
Classification: Likely benign. Review status: no assertion criteria provided. Collection method: clinical testing. Allele origin: germline. Affected: yes. Study: VKGL Data-share Consensus. Not counted in ClinVar's aggregate classification.

Literature cited by the submitters: PubMed 24728327 (cited by ITMI).

NM_080425.4(GNAS):c.1127C>T (p.Pro376Leu)

Gene: GNAS (GNAS complex locus; plus strand). Cytogenetic location: 20q13.32.
Variant type: single nucleotide variant.
Coding change: c.1127C>T on transcript NM_080425.4 (MANE Plus Clinical); coding-DNA position 1127, C replaced by T.
Protein change: p.Pro376Leu; replaces proline 376 with leucine.
Molecular consequence: missense variant. On other transcripts: intron variant (3).
Genome position (GRCh38, 1-based): chr20:58,854,392, C>T. VCF-style: chr20-58854392-C-T. GRCh37 (hg19) VCF-style: chr20-57429447-C-T.
Other names: c.940C>T, p.Arg314Trp (NM_001077490.3, NM_001309883.1); c.1127C>T, p.Pro376Leu (NM_001410913.1); c.*42+13506C>T (NM_016592.5); c.43+13506C>T (NM_001410912.1); c.-39+12517C>T (NM_001309861.2); short protein forms R314W, P376L.
Identifiers: ClinVar variation 134483 (VCV000134483.8), dbSNP rs61749697, ClinGen allele CA159942.